The following is an entry in ClinVar:

ClinVar aggregate classification (germline): Uncertain significance. Review status: criteria provided, multiple submitters, no conflicts (2 of 4 stars). 2 submissions from 2 submitters: Uncertain significance (2). Last evaluated 2025-01-22.

Conditions:
Dyskeratosis congenita, autosomal recessive 5 (DKCB5). Identifiers: MedGen C3554656, MONDO:0014076, OMIM 615190.
Pulmonary fibrosis and/or bone marrow failure, Telomere-related, 3. Also called: PULMONARY FIBROSIS AND/OR BONE MARROW FAILURE SYNDROME, TELOMERE-RELATED, 3. Identifiers: Orphanet 2032, MedGen C4225346, MONDO:0014613, OMIM 616373.
Inborn genetic diseases. Identifiers: MedGen C0950123, MeSH D030342.

gnomAD v4.1: 14 of 1,612,400 alleles (0.00087%); highest among the groups gnomAD compares: African/African-American, 0.0013%; no homozygotes.

Submissions (2):

Labcorp Genetics (formerly Invitae), Labcorp
Classification: Uncertain significance for Dyskeratosis congenita, autosomal recessive 5; Pulmonary fibrosis and/or bone marrow failure, Telomere-related, 3. Last evaluated: 2025-01-22. Review status: criteria provided, single submitter. Criteria: Invitae Variant Classification Sherloc (09022015). Collection method: clinical testing. Allele origin: germline.
Comment: This sequence change replaces valine, which is neutral and non-polar, with alanine, which is neutral and non-polar, at codon 1098 of the RTEL1 protein (p.Val1098Ala). This variant is present in population databases (no rsID available, gnomAD 0.003%). This variant has not been reported in the literature in individuals affected with RTEL1-related conditions. An algorithm developed to predict the effect of missense changes on protein structure and function (PolyPhen-2) suggests that this variant is likely to be tolerated. In summary, the available evidence is currently insufficient to determine the role of this variant in disease. Therefore, it has been classified as a Variant of Uncertain Significance.

Ambry Genetics
Classification: Uncertain significance for Inborn genetic diseases. Last evaluated: 2024-11-23. Review status: criteria provided, single submitter. Criteria: Ambry Variant Classification Scheme 2023. Collection method: clinical testing. Allele origin: germline.
Comment: The p.V1098A variant (also known as c.3293T>C), located in coding exon 31 of the RTEL1 gene, results from a T to C substitution at nucleotide position 3293. The valine at codon 1098 is replaced by alanine, an amino acid with similar properties. This amino acid position is conserved. In addition, the in silico prediction for this alteration is inconclusive. Based on the available evidence, the clinical significance of this variant remains unclear.

NM_001283009.2(RTEL1):c.3293T>C (p.Val1098Ala)

Genes: RTEL1 (regulator of telomere elongation helicase 1; plus strand), RTEL1-TNFRSF6B (RTEL1-TNFRSF6B readthrough (NMD candidate); plus strand). Cytogenetic location: 20q13.33.
Variant type: single nucleotide variant.
Coding change: c.3293T>C on transcript NM_001283009.2 (MANE Select); coding-DNA position 3293, T replaced by C.
Protein change: p.Val1098Ala; replaces valine 1098 with alanine.
Molecular consequence: missense variant. On other transcripts: non-coding transcript variant (1).
Genome position (GRCh38, 1-based): chr20:63,694,924, T>C. VCF-style: chr20-63694924-T-C. GRCh37 (hg19) VCF-style: chr20-62326277-T-C.
Other names: c.2624T>C, p.Val875Ala (NM_001283010.1); c.3293T>C, p.Val1098Ala (NM_016434.4); c.3365T>C, p.Val1122Ala (NM_032957.5); short protein forms V1098A, V1122A, V875A.
Identifiers: ClinVar variation 3435959 (VCV003435959.3).